The following is an entry in ClinVar:

ClinVar aggregate classification (germline): Likely pathogenic (1 of 4 stars; one submission).

Conditions:
CDON-related disorder. Also called: CDON-related condition.

Submission:

PreventionGenetics, part of Exact Sciences
Classification: Likely pathogenic for CDON-related condition. Last evaluated: 2025-01-22. Review status: criteria provided, single submitter. Criteria: ACMG Guidelines, 2015. Collection method: clinical testing. Allele origin: germline.
Comment: The CDON c.3122delG variant is predicted to result in a frameshift and premature protein termination (p.Gly1041Valfs*21). To our knowledge, this variant has not been reported in the literature or in a large population database (gnomAD), indicating this variant is rare. Frameshift variants in CDON are expected to be pathogenic. This variant is interpreted as likely pathogenic.

NM_001378964.1(CDON):c.3122del (p.Gly1041fs)

Gene: CDON (cell adhesion associated, oncogene regulated; minus strand). Cytogenetic location: 11q24.2.
Variant type: Deletion.
Coding change: c.3122del on transcript NM_001378964.1 (MANE Select); coding-DNA position 3122, one base deleted (G; older notation c.3122delG).
Protein change: p.Gly1041fs; shifts the reading frame from glycine 1041.
Molecular consequence: frameshift variant.
Genome position (GRCh38, 1-based): chr11:125,981,203, C deleted on the plus strand (G on the coding strand, the reverse complement: CDON is on the minus strand); the first of 2 consecutive C bases (chr11:125,981,203-125,981,204); deleting either gives the same sequence. VCF-style (leftmost placement, unchanged base first): chr11-125981202-AC-A. GRCh37 (hg19) VCF-style: chr11-125851097-AC-A.
Other names: c.3122del, p.Gly1041fs (NM_001243597.3, NM_001441161.1, NM_001441162.1 and 5 more transcripts); c.3122delG (NM_016952.4); short protein forms G1041fs.
Identifiers: ClinVar variation 4985970 (VCV004985970.1).